The following is an entry in ClinVar:

ClinVar aggregate classification (germline): Likely benign. Review status: criteria provided, multiple submitters, no conflicts (2 of 4 stars). 3 submissions from 3 submitters: Likely benign (3). Last evaluated 2025-09-23.

Conditions:
Cardiovascular phenotype. Identifiers: MedGen CN230736.
Alstrom syndrome (ALMS). Identifiers: Orphanet 64, MedGen C0268425, MONDO:0008763, OMIM 203800.

Allele frequency attached by ClinVar (database versions not stated): ExAC 0.00001; gnomAD exomes 0.00001 and 0.00002; gnomAD 0.00002; TOPMed 0.00002.

Submissions (3):

Labcorp Genetics (formerly Invitae), Labcorp
Classification: Likely benign for Alstrom syndrome. Last evaluated: 2025-09-23. Review status: criteria provided, single submitter. Criteria: Invitae Variant Classification Sherloc (09022015). Collection method: clinical testing. Allele origin: germline.

Ambry Genetics
Classification: Likely benign for Cardiovascular phenotype. Last evaluated: 2020-03-24. Review status: criteria provided, single submitter. Criteria: Ambry Variant Classification Scheme 2023. Collection method: clinical testing. Allele origin: germline.

GeneDx
Classification: Likely benign. Last evaluated: 2018-03-06. Review status: criteria provided, single submitter. Criteria: GeneDx Variant Classification (06012015). Collection method: clinical testing. Allele origin: germline. Affected: yes.
Comment: This variant is considered likely benign or benign based on one or more of the following criteria: it is a conservative change, it occurs at a poorly conserved position in the protein, it is predicted to be benign by multiple in silico algorithms, and/or has population frequency not consistent with disease.

NM_001378454.1(ALMS1):c.12321C>T (p.Asn4107=)

Gene: ALMS1 (ALMS1 centrosome and basal body associated protein; plus strand). Cytogenetic location: 2p13.1.
Variant type: single nucleotide variant.
Coding change: c.12321C>T on transcript NM_001378454.1 (MANE Select); coding-DNA position 12321, C replaced by T.
Protein change: p.Asn4107=; no amino-acid change (asparagine 4107 retained).
Molecular consequence: synonymous variant.
Genome position (GRCh38, 1-based): chr2:73,603,263, C>T. VCF-style: chr2-73603263-C-T. GRCh37 (hg19) VCF-style: chr2-73830390-C-T.
Other names: c.12324C>T, p.Asn4108= (NM_015120.4).
Identifiers: ClinVar variation 515850 (VCV000515850.11), dbSNP rs767420244, ClinGen allele CA1715529.